The following is an entry in ClinVar:

ClinVar aggregate classification (germline): Likely pathogenic (1 of 4 stars; one submission).

Submission:

GeneDx
Classification: Likely pathogenic. Last evaluated: 2020-02-14. Review status: criteria provided, single submitter. Criteria: GeneDx Variant Classification Process June 2021. Collection method: clinical testing. Allele origin: germline. Affected: yes.
Comment: Canonical splice site variant expected to result in aberrant splicing, although in the absence of functional evidence the actual effect of this sequence change is unknown.; Not observed in large population cohorts (Lek et al., 2016); Has not been previously published as pathogenic or benign to our knowledge

NM_003560.4(PLA2G6):c.2202+1G>A

Gene: PLA2G6 (phospholipase A2 group VI; minus strand). Cytogenetic location: 22q13.1.
Variant type: single nucleotide variant.
Coding change: c.2202+1G>A on transcript NM_003560.4 (MANE Select); the canonical splice donor site of the intron after coding-DNA position 2202, G replaced by A.
Molecular consequence: splice donor variant.
Genome position (GRCh38, 1-based): chr22:38,113,486, C>T on the plus strand (G>A on the coding strand, the complement: PLA2G6 is on the minus strand). VCF-style: chr22-38113486-C-T. GRCh37 (hg19) VCF-style: chr22-38509493-C-T.
Other names: c.1524+1G>A (NM_001349868.2); c.2040+1G>A (NM_001349866.2, NM_001199562.3, NM_001349865.2 and 1 more transcripts); c.1506+1G>A (NM_001349869.2); c.1668+1G>A (NM_001349867.2); c.2202+1G>A (NM_001349864.2).
Identifiers: ClinVar variation 1187654 (VCV001187654.2), dbSNP rs2145671289, ClinGen allele CA411523444.